The following is an entry in ClinVar:

ClinVar aggregate classification (germline): Pathogenic (1 of 4 stars; one submission).

Submission:

GeneDx
Classification: Pathogenic. Last evaluated: 2022-06-08. Review status: criteria provided, single submitter. Criteria: GeneDx Variant Classification Process June 2021. Collection method: clinical testing. Allele origin: germline. Affected: yes.
Comment: Not observed at significant frequency in large population cohorts (gnomAD); In silico analysis supports that this missense variant has a deleterious effect on protein structure/function; Has not been previously published as pathogenic or benign to our knowledge

NM_001378452.1(ITPR1):c.1705A>G (p.Lys569Glu)

Gene: ITPR1 (inositol 1,4,5-trisphosphate receptor type 1; plus strand). Cytogenetic location: 3p26.1.
Variant type: single nucleotide variant.
Coding change: c.1705A>G on transcript NM_001378452.1 (MANE Select); coding-DNA position 1705, A replaced by G.
Protein change: p.Lys569Glu; replaces lysine 569 with glutamic acid.
Molecular consequence: missense variant.
Genome position (GRCh38, 1-based): chr3:4,665,288, A>G. VCF-style: chr3-4665288-A-G. GRCh37 (hg19) VCF-style: chr3-4706972-A-G.
Other names: c.1705A>G, p.Lys569Glu (NM_001099952.4); c.1660A>G, p.Lys554Glu (NM_001168272.2, NM_002222.7); short protein forms K554E, K569E.
Identifiers: ClinVar variation 1691646 (VCV001691646.3), dbSNP rs2125196920, ClinGen allele CA351642412.